The following is an entry in ClinVar:

NM_001276345.2(TNNT2):c.473_474delinsAC (p.Arg158His)

Gene: TNNT2 (troponin T2, cardiac type; minus strand). Cytogenetic location: 1q32.1.
Variant type: Indel.
Coding change: c.473_474delinsAC on transcript NM_001276345.2 (MANE Select); coding-DNA positions 473 to 474, GG replaced by AC.
Protein change: p.Arg158His; replaces arginine 158 with histidine.
Molecular consequence: missense variant.
Genome position (GRCh38, 1-based): chr1:201,364,313-201,364,314, CC replaced by GT on the plus strand (GG replaced by AC on the coding strand, the reverse complement: TNNT2 is on the minus strand). VCF-style: chr1-201364313-CC-GT. GRCh37 (hg19) VCF-style: chr1-201333441-CC-GT.
Other names: c.473_474delinsAC, p.Arg158His (NM_000364.4); c.443_444delinsAC, p.Arg148His (NM_001001430.3, NM_001001431.3, NM_001276347.2); c.428_429delinsAC, p.Arg143His (NM_001001432.3); c.353_354delinsAC, p.Arg118His (NM_001276346.2); short protein forms R118H, R143H, R148H, R158H.
Identifiers: ClinVar variation 1019962 (VCV001019962.8), dbSNP rs1659257189, ClinGen allele CA1219711552.

ClinVar aggregate classification (germline): Uncertain significance (1 of 4 stars; one submission).

Conditions:
Dilated cardiomyopathy 1D. Identifiers: Orphanet 154, Orphanet 54260, MedGen C1832243, MONDO:0011095, OMIM 601494.
Cardiomyopathy, familial restrictive, 3. Identifiers: Orphanet 75249, MedGen C2676271, MONDO:0012900, OMIM 612422.
Hypertrophic cardiomyopathy 2. Also called: TNNT2-Related Familial Hypertrophic Cardiomyopathy. Identifiers: MedGen C1861864, MONDO:0007266, OMIM 115195.

Submission:

Labcorp Genetics (formerly Invitae), Labcorp
Classification: Uncertain significance for Cardiomyopathy, familial restrictive, 3; Hypertrophic cardiomyopathy 2; Dilated cardiomyopathy 1D. Last evaluated: 2024-02-05. Review status: criteria provided, single submitter. Criteria: Invitae Variant Classification Sherloc (09022015). Collection method: clinical testing. Allele origin: germline.
Comment: This sequence change replaces arginine, which is basic and polar, with histidine, which is basic and polar, at codon 148 of the TNNT2 protein (p.Arg148His). Information on the frequency of this variant in the gnomAD database is not available, as this variant may be reported differently in the database. This variant has not been reported in the literature in individuals affected with TNNT2-related conditions. ClinVar contains an entry for this variant (Variation ID: 1019962). An algorithm developed to predict the effect of missense changes on protein structure and function (PolyPhen-2) suggests that this variant is likely to be disruptive. In summary, the available evidence is currently insufficient to determine the role of this variant in disease. Therefore, it has been classified as a Variant of Uncertain Significance.